The following is an entry in ClinVar:

ClinVar aggregate classification (germline): Uncertain significance (1 of 4 stars; one submission).

Conditions:
Neuropathy, hereditary sensory, type 1F. Also called: Hereditary sensory neuropathy type IF; HSN IF. Identifiers: Orphanet 36386, MedGen C3810194, MONDO:0014286, OMIM 615632.

Allele frequency attached by ClinVar (database versions not stated): gnomAD exomes below 0.00001.
gnomAD v4.1: 4 of 1,601,378 alleles (0.00025%); highest among the groups gnomAD compares: Non-Finnish European, 0.00034%; no homozygotes.

Submission:

Labcorp Genetics (formerly Invitae), Labcorp
Classification: Uncertain significance for Neuropathy, hereditary sensory, type 1F. Last evaluated: 2021-06-09. Review status: criteria provided, single submitter. Criteria: Invitae Variant Classification Sherloc (09022015). Collection method: clinical testing. Allele origin: germline.
Comment: In summary, the available evidence is currently insufficient to determine the role of this variant in disease. Therefore, it has been classified as a Variant of Uncertain Significance. Algorithms developed to predict the effect of missense changes on protein structure and function (SIFT, PolyPhen-2, Align-GVGD) all suggest that this variant is likely to be disruptive, but these predictions have not been confirmed by published functional studies and their clinical significance is uncertain. This variant has not been reported in the literature in individuals with ATL3-related conditions. This variant is not present in population databases (ExAC no frequency). This sequence change replaces serine with phenylalanine at codon 175 of the ATL3 protein (p.Ser175Phe). The serine residue is highly conserved and there is a large physicochemical difference between serine and phenylalanine.

NM_015459.5(ATL3):c.524C>T (p.Ser175Phe)

Genes: ATL3 (atlastin GTPase 3; minus strand), LNCROPM (lncRNA regulator of PLAAT3 mediated phospholipid metabolism; plus strand). Cytogenetic location: 11q13.1.
Variant type: single nucleotide variant.
Coding change: c.524C>T on transcript NM_015459.5 (MANE Select); coding-DNA position 524, C replaced by T.
Protein change: p.Ser175Phe; replaces serine 175 with phenylalanine.
Molecular consequence: missense variant.
Genome position (GRCh38, 1-based): chr11:63,651,973, G>A on the plus strand (C>T on the coding strand, the complement: ATL3 is on the minus strand). VCF-style: chr11-63651973-G-A. GRCh37 (hg19) VCF-style: chr11-63419445-G-A.
Other names: c.470C>T, p.Ser157Phe (NM_001290048.2); short protein forms S157F, S175F.
Identifiers: ClinVar variation 1360053 (VCV001360053.8), dbSNP rs2134506980, ClinGen allele CA381027089.